The following is an entry in ClinVar:

NM_020134.4(DPYSL5):c.1469C>G (p.Thr490Ser)

Gene: DPYSL5 (dihydropyrimidinase like 5; plus strand). Cytogenetic location: 2p23.3.
Variant type: single nucleotide variant.
Coding change: c.1469C>G on transcript NM_020134.4 (MANE Select); coding-DNA position 1469, C replaced by G.
Protein change: p.Thr490Ser; replaces threonine 490 with serine.
Molecular consequence: missense variant.
Genome position (GRCh38, 1-based): chr2:26,944,684, C>G. VCF-style: chr2-26944684-C-G. GRCh37 (hg19) VCF-style: chr2-27167552-C-G.
Other names: c.1469C>G, p.Thr490Ser (NM_001253723.2, NM_001253724.2); short protein forms T490S.
Identifiers: ClinVar variation 4688756 (VCV004688756.1).

ClinVar aggregate classification (germline): Uncertain significance (1 of 4 stars; one submission).

gnomAD v4.1: 2 of 1,614,110 alleles (0.00012%); highest among the groups gnomAD compares: Non-Finnish European, 0.00017%; no homozygotes.

Submission:

Women's Health and Genetics/Laboratory Corporation of America, LabCorp
Classification: Uncertain significance. Last evaluated: 2025-12-31. Review status: criteria provided, single submitter. Criteria: LabCorp Variant Classification Summary - May 2015. Collection method: clinical testing. Allele origin: germline.
Comment: Variant summary: DPYSL5 c.1469C>G (p.Thr490Ser) results in a conservative amino acid change in the encoded protein sequence. Algorithms developed to predict the effect of missense changes on protein structure and function are either unavailable or do not agree on the potential impact of this missense change. The variant allele was found at a frequency of 4e-06 in 251282 control chromosomes. The available data on variant occurrences in the general population are insufficient to allow any conclusion about variant significance. To our knowledge, no occurrence of c.1469C>G in individuals affected with DPYSL5-related conditions and no experimental evidence demonstrating its impact on protein function have been reported. No submitters have cited clinical-significance assessments for this variant to ClinVar. Based on the evidence outlined above, the variant was classified as uncertain significance.